The following is an entry in ClinVar:

NM_147196.3(TMIE):c.58del (p.Val20fs)

Gene: TMIE (transmembrane inner ear; plus strand). Cytogenetic location: 3p21.31.
Variant type: Deletion.
Coding change: c.58del on transcript NM_147196.3 (MANE Select); coding-DNA position 58, one base deleted (G; older notation c.58delG).
Protein change: p.Val20fs; shifts the reading frame from valine 20.
Molecular consequence: frameshift variant. On other transcripts: intron variant (2).
Genome position (GRCh38, 1-based): chr3:46,701,545, G deleted; the last of 4 consecutive G bases (chr3:46,701,542-46,701,545); deleting any one gives the same sequence. VCF-style (leftmost placement, unchanged base first): chr3-46701541-CG-C. GRCh37 (hg19) VCF-style: chr3-46743031-CG-C.
Other names: c.58del (NM_147196.2); c.-66-4245del (NM_001370524.1, NM_001370525.1); short protein forms V20fs.
Identifiers: ClinVar variation 817378 (VCV000817378.11), dbSNP rs780689605, ClinGen allele CA73727426.

ClinVar aggregate classification (germline): Pathogenic/Likely pathogenic. Review status: criteria provided, multiple submitters, no conflicts (2 of 4 stars). 3 submissions from 3 submitters: Pathogenic (1); Likely pathogenic (2). Last evaluated 2025-10-08.

Conditions:
TMIE-related disorder. Also called: TMIE-related condition.

Submissions (3):

PreventionGenetics, part of Exact Sciences
Classification: Likely pathogenic for TMIE-related condition. Last evaluated: 2025-10-08. Review status: criteria provided, single submitter. Criteria: ACMG Guidelines, 2015. Collection method: clinical testing. Allele origin: germline.
Comment: The TMIE c.58delG variant is predicted to result in a frameshift and premature protein termination (p.Val20Cysfs*25). To our knowledge, this variant was not reported in the literature or in population database gnomAD. Frameshift variants in TMIE are expected to be pathogenic. This variant is interpreted as likely pathogenic.

GeneDx
Classification: Likely pathogenic. Last evaluated: 2025-03-21. Review status: criteria provided, single submitter. Criteria: GeneDx Variant Classification Process June 2021. Collection method: clinical testing. Allele origin: germline. Affected: yes.
Comment: Frameshift variant predicted to result in protein truncation or nonsense mediated decay in a gene for which loss of function is a known mechanism of disease; Not observed at significant frequency in large population cohorts (gnomAD); Has not been previously reported as pathogenic or benign in association with a TMIE-related disorder to our knowledge; This variant is associated with the following publications: (PMID: 36147510)

Labcorp Genetics (formerly Invitae), Labcorp
Classification: Pathogenic. Last evaluated: 2019-03-29. Review status: criteria provided, single submitter. Criteria: Invitae Variant Classification Sherloc (09022015). Collection method: clinical testing. Allele origin: germline.
Comment: The frequency data for this variant in the population databases is considered unreliable, as metrics indicate insufficient coverage at this position in the ExAC database. This variant has not been reported in the literature in individuals with TMIE-related conditions. Loss-of-function variants in TMIE are known to be pathogenic (PMID: 12145746, 19438934). For these reasons, this variant has been classified as Pathogenic. This sequence change creates a premature translational stop signal (p.Val20Cysfs*25) in the TMIE gene. It is expected to result in an absent or disrupted protein product.

Literature cited by the submitters: PubMed 12145746 (cited by Labcorp Genetics (formerly Invitae), Labcorp); PubMed 19438934 (cited by Labcorp Genetics (formerly Invitae), Labcorp).